The following is an entry in ClinVar:

ClinVar aggregate classification (germline): Uncertain significance (1 of 4 stars; one submission).

Conditions:
NR3C2-related disorder. Also called: NR3C2-related condition; NR3C2-related disorders.

Allele frequency attached by ClinVar (database versions not stated): gnomAD exomes below 0.00001; TOPMed below 0.00001; gnomAD 0.00001; ExAC 0.00002; ESP Exome Variant Server 0.00008.
gnomAD v4.1: 3 of 1,613,446 alleles (0.00019%); highest among the groups gnomAD compares: Non-Finnish European, 0.00025%; no homozygotes.

Submission:

PreventionGenetics, part of Exact Sciences
Classification: Uncertain significance for NR3C2-related condition. Last evaluated: 2023-03-21. Review status: criteria provided, single submitter. Criteria: ACMG Guidelines, 2015. Collection method: clinical testing. Allele origin: germline.
Comment: The NR3C2 c.68C>T variant is predicted to result in the amino acid substitution p.Ser23Phe. To our knowledge, this variant has not been reported in the literature or in a large population database, indicating this variant is rare. At this time, the clinical significance of this variant is uncertain due to the absence of conclusive functional and genetic evidence.

NM_000901.5(NR3C2):c.68C>T (p.Ser23Phe)

Gene: NR3C2 (nuclear receptor subfamily 3 group C member 2; minus strand). Cytogenetic location: 4q31.23.
Variant type: single nucleotide variant.
Coding change: c.68C>T on transcript NM_000901.5 (MANE Select); coding-DNA position 68, C replaced by T.
Protein change: p.Ser23Phe; replaces serine 23 with phenylalanine.
Molecular consequence: missense variant. On other transcripts: non-coding transcript variant (1).
Genome position (GRCh38, 1-based): chr4:148,436,793, G>A on the plus strand (C>T on the coding strand, the complement: NR3C2 is on the minus strand). VCF-style: chr4-148436793-G-A. GRCh37 (hg19) VCF-style: chr4-149357945-G-A.
Other names: c.68C>T, p.Ser23Phe (NM_001166104.2, NM_001354819.1); short protein forms S23F.
Identifiers: ClinVar variation 2633752 (VCV002633752.1), dbSNP rs369152607, ClinGen allele CA3100523.